The following is an entry in ClinVar:

NM_007325.5(GRIA3):c.527C>A (p.Ala176Glu)

Gene: GRIA3 (glutamate ionotropic receptor AMPA type subunit 3; plus strand). Cytogenetic location: Xq25.
Variant type: single nucleotide variant.
Coding change: c.527C>A on transcript NM_007325.5 (MANE Select); coding-DNA position 527, C replaced by A.
Protein change: p.Ala176Glu; replaces alanine 176 with glutamic acid.
Molecular consequence: missense variant.
Genome position (GRCh38, 1-based): chrX:123,326,044, C>A. VCF-style: chrX-123326044-C-A. GRCh37 (hg19) VCF-style: chrX-122459895-C-A.
Other names: c.527C>A, p.Ala176Glu (NM_000828.5); short protein forms A176E.
Identifiers: ClinVar variation 1304437 (VCV001304437.6), dbSNP rs764670975, ClinGen allele CA414261037.

ClinVar aggregate classification (germline): Uncertain significance. Review status: criteria provided, multiple submitters, no conflicts (2 of 4 stars). 2 submissions from 2 submitters: Uncertain significance (2). Last evaluated 2023-05-22.

gnomAD v4.1: 2 of 1,206,418 alleles (0.00017%); highest among the groups gnomAD compares: Non-Finnish European, 0.00022%; no homozygotes.

Submissions (2):

Labcorp Genetics (formerly Invitae), Labcorp
Classification: Uncertain significance. Last evaluated: 2023-05-22. Review status: criteria provided, single submitter. Criteria: Invitae Variant Classification Sherloc (09022015). Collection method: clinical testing. Allele origin: germline.
Comment: In summary, the available evidence is currently insufficient to determine the role of this variant in disease. Therefore, it has been classified as a Variant of Uncertain Significance. Advanced modeling of protein sequence and biophysical properties (such as structural, functional, and spatial information, amino acid conservation, physicochemical variation, residue mobility, and thermodynamic stability) performed at Invitae indicates that this missense variant is not expected to disrupt GRIA3 protein function. ClinVar contains an entry for this variant (Variation ID: 1304437). This variant has not been reported in the literature in individuals affected with GRIA3-related conditions. This variant is not present in population databases (gnomAD no frequency). This sequence change replaces alanine, which is neutral and non-polar, with glutamic acid, which is acidic and polar, at codon 176 of the GRIA3 protein (p.Ala176Glu).

GeneDx
Classification: Uncertain significance. Last evaluated: 2018-12-19. Review status: criteria provided, single submitter. Criteria: GeneDx Variant Classification Process June 2021. Collection method: clinical testing. Allele origin: germline. Affected: yes.
Comment: Not observed in large population cohorts (Lek et al., 2016); In silico analysis, which includes protein predictors and evolutionary conservation, supports that this variant does not alter protein structure/function; Has not been previously published as pathogenic or benign to our knowledge